The following is an entry in ClinVar:

ClinVar aggregate classification (germline): Uncertain significance (1 of 4 stars; one submission).

gnomAD v4.1: 2 of 1,613,764 alleles (0.00012%); highest among the groups gnomAD compares: Non-Finnish European, 0.000085%; no homozygotes.

Submission:

Labcorp Genetics (formerly Invitae), Labcorp
Classification: Uncertain significance. Last evaluated: 2023-03-10. Review status: criteria provided, single submitter. Criteria: Invitae Variant Classification Sherloc (09022015). Collection method: clinical testing. Allele origin: germline.
Comment: In summary, the available evidence is currently insufficient to determine the role of this variant in disease. Therefore, it has been classified as a Variant of Uncertain Significance. An algorithm developed to predict the effect of missense changes on protein structure and function (PolyPhen-2) suggests that this variant is likely to be tolerated. This variant has not been reported in the literature in individuals affected with RIMS1-related conditions. This variant is not present in population databases (gnomAD no frequency). This sequence change replaces tyrosine, which is neutral and polar, with aspartic acid, which is acidic and polar, at codon 327 of the RIMS1 protein (p.Tyr327Asp).

NM_014989.7(RIMS1):c.979T>G (p.Tyr327Asp)

Gene: RIMS1 (regulating synaptic membrane exocytosis 1; plus strand). Cytogenetic location: 6q13.
Variant type: single nucleotide variant.
Coding change: c.979T>G on transcript NM_014989.7 (MANE Select); coding-DNA position 979, T replaced by G.
Protein change: p.Tyr327Asp; replaces tyrosine 327 with aspartic acid.
Molecular consequence: missense variant.
Genome position (GRCh38, 1-based): chr6:72,182,450, T>G. VCF-style: chr6-72182450-T-G. GRCh37 (hg19) VCF-style: chr6-72892153-T-G.
Other names: short protein forms Y327D.
Identifiers: ClinVar variation 2713350 (VCV002713350.3), dbSNP rs2551807726, ClinGen allele CA364819899.
Genomic context (GRCh38, chr6:72,182,450, plus strand): 5'-GAACGGGAGCGCAAAGAAAGGCGGGAAAGCCGAAGGCTTGAGAAAGGGCGATCACAGGAT[T>G]ACCCAGACACGCCGGAAAAACGGGATGAGGGCAAAGCGGCGGATGAGGAAAAGCAAAGAA-3'
Protein context (NP_055804.2, residues 317-337): RRLEKGRSQD[Tyr327Asp]PDTPEKRDEG